The following is an entry in ClinVar:

ClinVar aggregate classification (germline): Uncertain significance (1 of 4 stars; one submission).

Submission:

Labcorp Genetics (formerly Invitae), Labcorp
Classification: Uncertain significance. Last evaluated: 2025-08-13. Review status: criteria provided, single submitter. Criteria: Invitae Variant Classification Sherloc (09022015). Collection method: clinical testing. Allele origin: germline.
Comment: This sequence change replaces leucine, which is neutral and non-polar, with valine, which is neutral and non-polar, at codon 56 of the LCAT protein (p.Leu56Val). This variant is not present in population databases (gnomAD no frequency). This variant has not been reported in the literature in individuals affected with LCAT-related conditions. Invitae Evidence Modeling of protein sequence and biophysical properties (such as structural, functional, and spatial information, amino acid conservation, physicochemical variation, residue mobility, and thermodynamic stability) has been performed for this missense variant. However, the output from this modeling did not meet the statistical confidence thresholds required to predict the impact of this variant on LCAT protein function. In summary, the available evidence is currently insufficient to determine the role of this variant in disease. Therefore, it has been classified as a Variant of Uncertain Significance.

NM_000229.2(LCAT):c.166C>G (p.Leu56Val)

Gene: LCAT (lecithin-cholesterol acyltransferase; minus strand). Cytogenetic location: 16q22.1.
Variant type: single nucleotide variant.
Coding change: c.166C>G on transcript NM_000229.2 (MANE Select); coding-DNA position 166, C replaced by G.
Protein change: p.Leu56Val; replaces leucine 56 with valine.
Molecular consequence: missense variant.
Genome position (GRCh38, 1-based): chr16:67,943,201, G>C on the plus strand (C>G on the coding strand, the complement: LCAT is on the minus strand). VCF-style: chr16-67943201-G-C. GRCh37 (hg19) VCF-style: chr16-67977104-G-C.
Other names: short protein forms L56V.
Identifiers: ClinVar variation 4762109 (VCV004762109.1).